The following is an entry in ClinVar:

NM_001171.6(ABCC6):c.2544G>A (p.Met848Ile)

Gene: ABCC6 (ATP binding cassette subfamily C member 6; minus strand). Cytogenetic location: 16p13.11.
Variant type: single nucleotide variant.
Coding change: c.2544G>A on transcript NM_001171.6 (MANE Select); coding-DNA position 2544, G replaced by A.
Protein change: p.Met848Ile; replaces methionine 848 with isoleucine.
Molecular consequence: missense variant. On other transcripts: synonymous variant (1).
Genome position (GRCh38, 1-based): chr16:16,177,498, C>T on the plus strand (G>A on the coding strand, the complement: ABCC6 is on the minus strand). VCF-style: chr16-16177498-C-T. GRCh37 (hg19) VCF-style: chr16-16271355-C-T.
Other names: c.2202G>A, p.Val734= (NM_001351800.1); short protein forms M848I.
Identifiers: ClinVar variation 2187279 (VCV002187279.1), dbSNP rs761941142, ClinGen allele CA7925884.

ClinVar aggregate classification (germline): Uncertain significance (1 of 4 stars; one submission).

Allele frequency attached by ClinVar (database versions not stated): ExAC 0.00001.
gnomAD v4.1: 1 of 1,614,194 alleles (0.000062%); highest among the groups gnomAD compares: Admixed American, 0.0017%; no homozygotes.

Submission:

Labcorp Genetics (formerly Invitae), Labcorp
Classification: Uncertain significance. Last evaluated: 2022-07-01. Review status: criteria provided, single submitter. Criteria: Invitae Variant Classification Sherloc (09022015). Collection method: clinical testing. Allele origin: germline.
Comment: This sequence change replaces valine, which is neutral and non-polar, with valine, which is neutral and non-polar, at codon 848 of the ABCC6 protein (Silent). This variant is present in population databases (rs761941142, gnomAD 0.003%). This variant has not been reported in the literature in individuals affected with ABCC6-related conditions. Advanced modeling of protein sequence and biophysical properties (such as structural, functional, and spatial information, amino acid conservation, physicochemical variation, residue mobility, and thermodynamic stability) performed at Invitae indicates that this missense variant is not expected to disrupt ABCC6 protein function. In summary, the available evidence is currently insufficient to determine the role of this variant in disease. Therefore, it has been classified as a Variant of Uncertain Significance.